The following is an entry in ClinVar:

ClinVar aggregate classification (germline): Uncertain significance (1 of 4 stars; one submission).

Conditions:
Hereditary cancer-predisposing syndrome. Also called: Hereditary Cancer Syndrome; Hereditary neoplastic syndrome; Neoplastic Syndromes, Hereditary; Tumor predisposition. Identifiers: Orphanet 140162, MedGen C0027672, MeSH D009386, MONDO:0015356.

Submission:

Ambry Genetics
Classification: Uncertain significance for Hereditary cancer-predisposing syndrome. Last evaluated: 2022-03-01. Review status: criteria provided, single submitter. Criteria: Ambry Variant Classification Scheme 2023. Collection method: clinical testing. Allele origin: germline.
Comment: The p.K448N variant (also known as c.1344G>C), located in coding exon 9 of the CTNNA1 gene, results from a G to C substitution at nucleotide position 1344. The lysine at codon 448 is replaced by asparagine, an amino acid with similar properties. This amino acid position is conserved. In addition, this alteration is predicted to be tolerated by in silico analysis. Since supporting evidence is limited at this time, the clinical significance of this alteration remains unclear.

NM_001903.5(CTNNA1):c.1344G>C (p.Lys448Asn)

Gene: CTNNA1 (catenin alpha 1; plus strand). Cytogenetic location: 5q31.2.
Variant type: single nucleotide variant.
Coding change: c.1344G>C on transcript NM_001903.5 (MANE Select); coding-DNA position 1344, G replaced by C.
Protein change: p.Lys448Asn; replaces lysine 448 with asparagine.
Molecular consequence: missense variant. On other transcripts: 5 prime UTR variant (6), intron variant (3).
Genome position (GRCh38, 1-based): chr5:138,904,396, G>C. VCF-style: chr5-138904396-G-C. GRCh37 (hg19) VCF-style: chr5-138240085-G-C.
Other names: c.1344G>C, p.Lys448Asn (NM_001290307.3, NM_001323982.2, NM_001323983.1 and 2 more transcripts); c.1035G>C, p.Lys345Asn (NM_001290309.3); c.975G>C, p.Lys325Asn (NM_001290310.3); c.234G>C, p.Lys78Asn (NM_001290312.1, NM_001323987.1, NM_001323988.1 and 17 more transcripts); c.-164G>C (NM_001324006.1, NM_001324007.1, NM_001324008.1 and 1 more transcripts); c.-10G>C (NM_001324012.1, NM_001324013.1); c.1297-13346G>C (NM_001323986.2); c.187-13346G>C (NM_001324011.1); and 1 more; short protein forms K325N, K448N, K78N, K345N.
Identifiers: ClinVar variation 1770434 (VCV001770434.2), dbSNP rs921350297, ClinGen allele CA361135962.